The following is an entry in ClinVar:

ClinVar aggregate classification (germline): Conflicting classifications of pathogenicity. Review status: criteria provided, conflicting classifications (1 of 4 stars). 4 submissions from 4 submitters: Likely pathogenic (2); Uncertain significance (2). Last evaluated 2025-10-11.

Conditions:
Mitochondrial disease. Also called: Mitochondrial disorder; Mitochondrial disorders. Identifiers: Orphanet 68380, MedGen C0751651, MeSH D028361, MONDO:0044970.
Progressive external ophthalmoplegia with mitochondrial DNA deletions, autosomal dominant 3. Also called: PROGRESSIVE EXTERNAL OPHTHALMOPLEGIA, AUTOSOMAL DOMINANT 3. Identifiers: MedGen C1836439, MONDO:0012241, OMIM 609286.

Submissions (4):

Labcorp Genetics (formerly Invitae), Labcorp
Classification: Likely pathogenic. Last evaluated: 2025-10-11. Review status: criteria provided, single submitter. Criteria: Invitae Variant Classification Sherloc (09022015). Collection method: clinical testing. Allele origin: germline.
Comment: This sequence change replaces alanine, which is neutral and non-polar, with proline, which is neutral and non-polar, at codon 362 of the TWNK protein (p.Ala362Pro). This variant is not present in population databases (gnomAD no frequency). This missense change has been observed in individual(s) with autosomal dominant progressive external ophthalmoplegia (PMID: 20479361, 32161153, 35011763). ClinVar contains an entry for this variant (Variation ID: 446900). Invitae Evidence Modeling of protein sequence and biophysical properties (such as structural, functional, and spatial information, amino acid conservation, physicochemical variation, residue mobility, and thermodynamic stability) indicates that this missense variant is expected to disrupt TWNK protein function with a positive predictive value of 95%. In summary, the currently available evidence indicates that the variant is pathogenic, but additional data are needed to prove that conclusively. Therefore, this variant has been classified as Likely Pathogenic.

Illumina Laboratory Services, Illumina
Classification: Uncertain significance for Mitochondrial disease. Last evaluated: 2024-01-10. Review status: criteria provided, single submitter. Criteria: ISL SNV Classification Criteria 03 February 2026. Collection method: clinical testing. Allele origin: unknown.
Comment: The TWNK c.1084G>C p.(Ala362Pro) missense variant has not, to our knowledge, been reported in the peer-reviewed literature in association with autosomal recessive primary mitochondrial disease. It has been reported in a heterozygous state in two individuals affected with progressive external ophthalmoplegia (PEO). This variant is not observed in version 2.1.1 or version 4.0.0 of the Genome Aggregation Database. Multiple lines of computational evidence suggest the variant may impact the gene or gene product. Based on the available evidence, the c.1084G>C p.(Ala362Pro) variant is classified as a variant of uncertain significance for primary mitochondrial disease.

Athena Diagnostics
Classification: Uncertain significance. Last evaluated: 2017-04-14. Review status: criteria provided, single submitter. Criteria: Athena Diagnostics Criteria. Collection method: clinical testing. Allele origin: germline.

Clinical Genetics Service, Universitary Hospital 12 de Octubre
Classification: Likely pathogenic for Progressive external ophthalmoplegia with mitochondrial DNA deletions, autosomal dominant 3. Review status: criteria provided, single submitter. Criteria: ACMG Guidelines, 2015. Collection method: clinical testing. Allele origin: germline. Affected: yes.

Literature cited by the submitters: PubMed 20479361 (cited by Labcorp Genetics (formerly Invitae), Labcorp and Athena Diagnostics); PubMed 32161153 (cited by Labcorp Genetics (formerly Invitae), Labcorp); PubMed 35011763 (cited by Labcorp Genetics (formerly Invitae), Labcorp).

NM_021830.5(TWNK):c.1084G>C (p.Ala362Pro)

Gene: TWNK (twinkle mtDNA helicase; plus strand). Cytogenetic location: 10q24.31.
Variant type: single nucleotide variant.
Coding change: c.1084G>C on transcript NM_021830.5 (MANE Select); coding-DNA position 1084, G replaced by C.
Protein change: p.Ala362Pro; replaces alanine 362 with proline.
Molecular consequence: missense variant. On other transcripts: non-coding transcript variant (4), intron variant (3).
Genome position (GRCh38, 1-based): chr10:100,989,294, G>C. VCF-style: chr10-100989294-G-C. GRCh37 (hg19) VCF-style: chr10-102749051-G-C.
Other names: c.1084G>C, p.Ala362Pro (NM_001163812.2); c.-119-350G>C (NM_001163814.2, NM_001163813.2); c.-57-412G>C (NM_001368275.1); c.1084G>C (NM_021830.4); short protein forms A362P.
Identifiers: ClinVar variation 446900 (VCV000446900.3), dbSNP rs1554887075, ClinGen allele CA378209807.
Genomic context (GRCh38, chr10:100,989,294, plus strand): 5'-CCCCTGGAGGCCCTGAACGGAGGCTTCAATCTTTCTCGTATTCTTCGTACCGCCCTGCCT[G>C]CCTGGCACAAGTCCATCGTATCTTTCCGGCAGCTTCGGGAGGAGGTGCTAGGAGAACTGT-3'
Protein context (NP_068602.2, residues 352-372): LSRILRTALP[Ala362Pro]WHKSIVSFRQ